The following is an entry in ClinVar:

NM_000179.3(MSH6):c.3341T>C (p.Leu1114Pro)

Gene: MSH6 (mutS homolog 6; plus strand). Cytogenetic location: 2p16.3.
Variant type: single nucleotide variant.
Coding change: c.3341T>C on transcript NM_000179.3 (MANE Select); coding-DNA position 3341, T replaced by C.
Protein change: p.Leu1114Pro; replaces leucine 1114 with proline.
Molecular consequence: missense variant.
Genome position (GRCh38, 1-based): chr2:47,803,588, T>C. VCF-style: chr2-47803588-T-C. GRCh37 (hg19) VCF-style: chr2-48030727-T-C.
Other names: c.2951T>C, p.Leu984Pro (NM_001281492.2); c.2435T>C, p.Leu812Pro (NM_001281493.2, NM_001281494.2); short protein forms L1114P, L812P, L984P.
Identifiers: ClinVar variation 1320546 (VCV001320546.6), dbSNP rs1553331600, ClinGen allele CA346758739.

ClinVar aggregate classification (germline): Uncertain significance. Review status: criteria provided, multiple submitters, no conflicts (2 of 4 stars). 3 submissions from 3 submitters: Uncertain significance (3). Last evaluated 2025-10-27.

Conditions:
Hereditary nonpolyposis colorectal neoplasms. Identifiers: MedGen C0009405, MeSH D003123.
Hereditary cancer-predisposing syndrome. Also called: Hereditary neoplastic syndrome; Neoplastic Syndromes, Hereditary; Tumor predisposition; Hereditary Cancer Syndrome. Identifiers: Orphanet 140162, MedGen C0027672, MeSH D009386, MONDO:0015356.

Allele frequency attached by ClinVar (database versions not stated): gnomAD exomes below 0.00001.

Submissions (3):

Labcorp Genetics (formerly Invitae), Labcorp
Classification: Uncertain significance for Hereditary nonpolyposis colorectal neoplasms. Last evaluated: 2025-10-27. Review status: criteria provided, single submitter. Criteria: Invitae Variant Classification Sherloc (09022015). Collection method: clinical testing. Allele origin: germline.
Comment: This sequence change replaces leucine, which is neutral and non-polar, with proline, which is neutral and non-polar, at codon 1114 of the MSH6 protein (p.Leu1114Pro). This variant is not present in population databases (gnomAD no frequency). This variant has not been reported in the literature in individuals affected with MSH6-related conditions. ClinVar contains an entry for this variant (Variation ID: 1320546). Invitae Evidence Modeling of protein sequence and biophysical properties (such as structural, functional, and spatial information, amino acid conservation, physicochemical variation, residue mobility, and thermodynamic stability) indicates that this missense variant is not expected to disrupt MSH6 protein function with a negative predictive value of 95%. In summary, the available evidence is currently insufficient to determine the role of this variant in disease. Therefore, it has been classified as a Variant of Uncertain Significance.

Ambry Genetics
Classification: Uncertain significance for Hereditary cancer-predisposing syndrome. Last evaluated: 2025-06-27. Review status: criteria provided, single submitter. Criteria: Ambry Variant Classification Scheme 2023. Collection method: clinical testing. Allele origin: germline.
Comment: The p.L1114P variant (also known as c.3341T>C), located in coding exon 5 of the MSH6 gene, results from a T to C substitution at nucleotide position 3341. The leucine at codon 1114 is replaced by proline, an amino acid with similar properties. This amino acid position is conserved. In addition, the in silico prediction for this alteration is inconclusive. Based on the available evidence, the clinical significance of this variant remains unclear.

GeneDx
Classification: Uncertain significance. Last evaluated: 2021-05-17. Review status: criteria provided, single submitter. Criteria: GeneDx Variant Classification Process June 2021. Collection method: clinical testing. Allele origin: germline. Affected: yes.
Comment: Not observed in large population cohorts (Lek et al., 2016); In silico analysis supports that this missense variant does not alter protein structure/function; Has not been previously published as pathogenic or benign to our knowledge